The following is an entry in ClinVar:

ClinVar aggregate classification (germline): Uncertain significance (1 of 4 stars; one submission).

Allele frequency attached by ClinVar (database versions not stated): ExAC 0.00002; TOPMed 0.00003; gnomAD 0.00004.
gnomAD v4.1: 71 of 1,614,040 alleles (0.0044%); highest among the groups gnomAD compares: Middle Eastern, 0.016%; no homozygotes.

Submission:

Labcorp Genetics (formerly Invitae), Labcorp
Classification: Uncertain significance. Last evaluated: 2026-01-02. Review status: criteria provided, single submitter. Criteria: Invitae Variant Classification Sherloc (09022015). Collection method: clinical testing. Allele origin: germline.
Comment: This sequence change replaces alanine, which is neutral and non-polar, with valine, which is neutral and non-polar, at codon 131 of the OAS1 protein (p.Ala131Val). This variant is present in population databases (rs761673884, gnomAD 0.01%). This variant has not been reported in the literature in individuals affected with OAS1-related conditions. ClinVar contains an entry for this variant (Variation ID: 2069835). An algorithm developed to predict the effect of missense changes on protein structure and function outputs the following: PolyPhen-2: "Benign". The valine amino acid residue is found in multiple mammalian species, which suggests that this missense change does not adversely affect protein function. In summary, the available evidence is currently insufficient to determine the role of this variant in disease. Therefore, it has been classified as a Variant of Uncertain Significance.

NM_016816.4(OAS1):c.392C>T (p.Ala131Val)

Gene: OAS1 (2'-5'-oligoadenylate synthetase 1; plus strand). Cytogenetic location: 12q24.13.
Variant type: single nucleotide variant.
Coding change: c.392C>T on transcript NM_016816.4 (MANE Select); coding-DNA position 392, C replaced by T.
Protein change: p.Ala131Val; replaces alanine 131 with valine.
Molecular consequence: missense variant.
Genome position (GRCh38, 1-based): chr12:112,908,747, C>T. VCF-style: chr12-112908747-C-T. GRCh37 (hg19) VCF-style: chr12-113346552-C-T.
Other names: c.392C>T, p.Ala131Val (NM_001032409.3, NM_001320151.2, NM_001406020.1 and 7 more transcripts); short protein forms A131V.
Identifiers: ClinVar variation 2069835 (VCV002069835.4), dbSNP rs761673884, ClinGen allele CA6799754.